The following is an entry in ClinVar:

ClinVar aggregate classification (germline): Likely benign (1 of 4 stars; one submission).

Submission:

CeGaT Center for Human Genetics Tuebingen
Classification: Likely benign. Last evaluated: 2026-05-01. Review status: criteria provided, single submitter. Criteria: CeGaT Center For Human Genetics Tuebingen Variant Classification Criteria Version 2. Collection method: clinical testing. Allele origin: germline. Affected: yes. Observed: 1 variant allele.
Comment: TMEM147: PM2:Supporting, BP4, BP7

NM_032635.4(TMEM147):c.18C>T (p.Phe6=)

Genes: TMEM147-AS1 (TMEM147 antisense RNA 1; minus strand), TMEM147 (transmembrane protein 147; plus strand). Cytogenetic location: 19q13.12.
Variant type: single nucleotide variant.
Coding change: c.18C>T on transcript NM_032635.4 (MANE Select); coding-DNA position 18, C replaced by T.
Protein change: p.Phe6=; no amino-acid change (phenylalanine 6 retained).
Molecular consequence: synonymous variant. On other transcripts: 5 prime UTR variant (1).
Genome position (GRCh38, 1-based): chr19:35,545,757, C>T. VCF-style: chr19-35545757-C-T. GRCh37 (hg19) VCF-style: chr19-36036659-C-T.
Other names: c.-201C>T (NM_001242597.2); c.18C>T, p.Phe6= (NM_001242598.2).
Identifiers: ClinVar variation 4873707 (VCV004873707.2).